The following is an entry in ClinVar:

NM_052947.4(ALPK2):c.1183G>A (p.Val395Ile)

Genes: ALPK2 (alpha kinase 2; minus strand), LOC114803473 (ALPK2 eExon liver enhancer; plus strand). Cytogenetic location: 18q21.31.
Variant type: single nucleotide variant.
Coding change: c.1183G>A on transcript NM_052947.4 (MANE Select); coding-DNA position 1183, G replaced by A.
Protein change: p.Val395Ile; replaces valine 395 with isoleucine.
Molecular consequence: missense variant.
Genome position (GRCh38, 1-based): chr18:58,579,593, C>T on the plus strand (G>A on the coding strand, the complement: ALPK2 is on the minus strand). VCF-style: chr18-58579593-C-T. GRCh37 (hg19) VCF-style: chr18-56246825-C-T.
Other names: short protein forms V395I.
Identifiers: ClinVar variation 3228558 (VCV003228558.1), dbSNP rs1453433336, ClinGen allele CA402564272.

ClinVar aggregate classification (germline): Uncertain significance (1 of 4 stars; one submission).

Allele frequency attached by ClinVar (database versions not stated): TOPMed below 0.00001; gnomAD 0.00001.
gnomAD v4.1: 2 of 1,613,586 alleles (0.00012%); highest among the groups gnomAD compares: Admixed American, 0.0017%; no homozygotes.

Submission:

Ambry Genetics
Classification: Uncertain significance. Last evaluated: 2024-01-16. Review status: criteria provided, single submitter. Criteria: Ambry Variant Classification Scheme 2023. Collection method: clinical testing. Allele origin: germline.
Comment: The p.V395I variant (also known as c.1183G>A), located in coding exon 3 of the ALPK2 gene, results from a G to A substitution at nucleotide position 1183. The valine at codon 395 is replaced by isoleucine, an amino acid with highly similar properties. This amino acid position is conserved. In addition, this alteration is predicted to be tolerated by in silico analysis. Since supporting evidence is limited at this time, the clinical significance of this alteration remains unclear.